The following is an entry in ClinVar:

NM_000179.3(MSH6):c.3435A>G (p.Arg1145=)

Gene: MSH6 (mutS homolog 6; plus strand). Cytogenetic location: 2p16.3.
Variant type: single nucleotide variant.
Coding change: c.3435A>G on transcript NM_000179.3 (MANE Select); coding-DNA position 3435, A replaced by G.
Protein change: p.Arg1145=; no amino-acid change (arginine 1145 retained).
Molecular consequence: synonymous variant.
Genome position (GRCh38, 1-based): chr2:47,803,682, A>G. VCF-style: chr2-47803682-A-G. GRCh37 (hg19) VCF-style: chr2-48030821-A-G.
Other names: c.3045A>G, p.Arg1015= (NM_001281492.2); c.2529A>G, p.Arg843= (NM_001281493.2, NM_001281494.2).
Identifiers: ClinVar variation 416142 (VCV000416142.11), dbSNP rs1060504742, ClinGen allele CA16610966.

ClinVar aggregate classification (germline): Benign/Likely benign. Review status: criteria provided, multiple submitters, no conflicts (2 of 4 stars). 3 submissions from 3 submitters: Benign (1); Likely benign (2). Last evaluated 2025-01-30.

Conditions:
Hereditary nonpolyposis colorectal neoplasms. Identifiers: MedGen C0009405, MeSH D003123.
Hereditary cancer-predisposing syndrome. Also called: Tumor predisposition; Neoplastic Syndromes, Hereditary; Hereditary neoplastic syndrome; Hereditary Cancer Syndrome. Identifiers: Orphanet 140162, MedGen C0027672, MeSH D009386, MONDO:0015356.
Lynch syndrome 5 (LYNCH5). Also called: Colorectal cancer, hereditary nonpolyposis, type 5; Hereditary non-polyposis colorectal cancer, type 5. Identifiers: Orphanet 144, MedGen C1833477, MONDO:0013710, OMIM 614350. Disease mechanism: loss of function.

Allele frequency attached by ClinVar (database versions not stated): gnomAD exomes below 0.00001.
gnomAD v4.1: 3 of 1,614,198 alleles (0.00019%); highest among the groups gnomAD compares: Non-Finnish European, 0.00025%; no homozygotes.

Submissions (3):

Labcorp Genetics (formerly Invitae), Labcorp
Classification: Likely benign for Hereditary nonpolyposis colorectal neoplasms. Last evaluated: 2025-01-30. Review status: criteria provided, single submitter. Criteria: Invitae Variant Classification Sherloc (09022015). Collection method: clinical testing. Allele origin: germline.

Myriad Genetics, Inc.
Classification: Benign for Lynch syndrome 5. Last evaluated: 2025-01-07. Review status: criteria provided, single submitter. Criteria: Myriad Autosomal Dominant, Autosomal Recessive and X-Linked Classification Criteria (2023). Collection method: clinical testing. Allele origin: unknown.
Comment: This variant is considered benign. This variant is a silent/synonymous amino acid change and it is not expected to impact splicing.

Ambry Genetics
Classification: Likely benign for Hereditary cancer-predisposing syndrome. Last evaluated: 2024-06-17. Review status: criteria provided, single submitter. Criteria: Ambry Variant Classification Scheme 2023. Collection method: clinical testing. Allele origin: germline.